The following is an entry in ClinVar:

ClinVar aggregate classification (germline): Uncertain significance (1 of 4 stars; one submission).

Allele frequency attached by ClinVar (database versions not stated): ExAC 0.00002; gnomAD 0.00009; TOPMed 0.00010; 1000 Genomes Project 0.00040; 1000 Genomes Project 30x 0.00047.
gnomAD v4.1: 22 of 1,612,240 alleles (0.0014%); highest among the groups gnomAD compares: African/African-American, 0.029%; no homozygotes.

Submission:

Labcorp Genetics (formerly Invitae), Labcorp
Classification: Uncertain significance. Last evaluated: 2024-05-23. Review status: criteria provided, single submitter. Criteria: Invitae Variant Classification Sherloc (09022015). Collection method: clinical testing. Allele origin: germline.
Comment: This sequence change replaces alanine, which is neutral and non-polar, with serine, which is neutral and polar, at codon 52 of the MGP protein (p.Ala52Ser). This variant is present in population databases (rs536781673, gnomAD 0.04%), including at least one homozygous and/or hemizygous individual. This variant has not been reported in the literature in individuals affected with MGP-related conditions. ClinVar contains an entry for this variant (Variation ID: 2142369). An algorithm developed to predict the effect of missense changes on protein structure and function (PolyPhen-2) suggests that this variant is likely to be disruptive. In summary, the available evidence is currently insufficient to determine the role of this variant in disease. Therefore, it has been classified as a Variant of Uncertain Significance.

NM_000900.5(MGP):c.154G>T (p.Ala52Ser)

Gene: MGP (matrix Gla protein; minus strand). Cytogenetic location: 12p12.3.
Variant type: single nucleotide variant.
Coding change: c.154G>T on transcript NM_000900.5 (MANE Select); coding-DNA position 154, G replaced by T.
Protein change: p.Ala52Ser; replaces alanine 52 with serine.
Molecular consequence: missense variant.
Genome position (GRCh38, 1-based): chr12:14,882,988, C>A on the plus strand (G>T on the coding strand, the complement: MGP is on the minus strand). VCF-style: chr12-14882988-C-A. GRCh37 (hg19) VCF-style: chr12-15035922-C-A.
Other names: c.229G>T, p.Ala77Ser (NM_001190839.3); short protein forms A52S, A77S.
Identifiers: ClinVar variation 2142369 (VCV002142369.3), dbSNP rs536781673, ClinGen allele CA6465168.